The following is an entry in ClinVar:

NM_031478.6(TLCD3B):c.657C>T (p.Ala219=)

Genes: FIMP1 (fertilization-influencing membrane protein 1; plus strand), TLCD3B (TLC domain containing 3B; minus strand). Cytogenetic location: 16p11.2.
Variant type: single nucleotide variant.
Coding change: c.657C>T on transcript NM_031478.6 (MANE Select); coding-DNA position 657, C replaced by T.
Protein change: p.Ala219=; no amino-acid change (alanine 219 retained).
Molecular consequence: synonymous variant. On other transcripts: intron variant (1).
Genome position (GRCh38, 1-based): chr16:30,025,351, G>A on the plus strand (C>T on the coding strand, the complement: TLCD3B is on the minus strand). VCF-style: chr16-30025351-G-A. GRCh37 (hg19) VCF-style: chr16-30036672-G-A.
Other names: c.507C>T, p.Ala169= (NM_001318504.2); c.915C>T, p.Ala305= (NM_001352173.2); c.311+1265G>A (NM_001353379.2).
Identifiers: ClinVar variation 4083895 (VCV004083895.9).

ClinVar aggregate classification (germline): Likely benign. Review status: criteria provided, multiple submitters, no conflicts (2 of 4 stars). 2 submissions from 2 submitters: Likely benign (2). Last evaluated 2025-08-25.

gnomAD v4.1: 381 of 1,593,120 alleles (0.024%); highest among the groups gnomAD compares: Non-Finnish European, 0.03%; no homozygotes.

Submissions (2):

Ambry Genetics
Classification: Likely benign. Last evaluated: 2025-08-25. Review status: criteria provided, single submitter. Criteria: Ambry Variant Classification Scheme 2023. Collection method: clinical testing. Allele origin: germline.

CeGaT Center for Human Genetics Tuebingen
Classification: Likely benign. Last evaluated: 2025-06-01. Review status: criteria provided, single submitter. Criteria: CeGaT Center For Human Genetics Tuebingen Variant Classification Criteria Version 2. Collection method: clinical testing. Allele origin: germline. Affected: yes. Observed: 1 variant allele.
Comment: TLCD3B: BP4, BP7